The following is an entry in ClinVar:

NM_004356.4(CD81):c.403G>C (p.Val135Leu)

Gene: CD81 (CD81 molecule; plus strand). Cytogenetic location: 11p15.5.
Variant type: single nucleotide variant.
Coding change: c.403G>C on transcript NM_004356.4 (MANE Select); coding-DNA position 403, G replaced by C.
Protein change: p.Val135Leu; replaces valine 135 with leucine.
Molecular consequence: missense variant.
Genome position (GRCh38, 1-based): chr11:2,395,464, G>C. VCF-style: chr11-2395464-G-C. GRCh37 (hg19) VCF-style: chr11-2416694-G-C.
Other names: c.190G>C, p.Val64Leu (NM_001297649.2, NM_001425129.1, NM_001425130.1 and 4 more transcripts); c.526G>C, p.Val176Leu (NM_001425135.1); c.403G>C, p.Val135Leu (NM_001425137.1); short protein forms V135L, V176L, V64L.
Identifiers: ClinVar variation 3609750 (VCV003609750.2).

ClinVar aggregate classification (germline): Uncertain significance (1 of 4 stars; one submission).

Submission:

Labcorp Genetics (formerly Invitae), Labcorp
Classification: Uncertain significance. Last evaluated: 2024-12-10. Review status: criteria provided, single submitter. Criteria: Invitae Variant Classification Sherloc (09022015). Collection method: clinical testing. Allele origin: germline.
Comment: This sequence change replaces valine, which is neutral and non-polar, with leucine, which is neutral and non-polar, at codon 135 of the CD81 protein (p.Val135Leu). This variant is not present in population databases (gnomAD no frequency). This variant has not been reported in the literature in individuals affected with CD81-related conditions. An algorithm developed to predict the effect of missense changes on protein structure and function outputs the following: PolyPhen-2: "Benign". The leucine amino acid residue is found in multiple mammalian species, which suggests that this missense change does not adversely affect protein function. In summary, the available evidence is currently insufficient to determine the role of this variant in disease. Therefore, it has been classified as a Variant of Uncertain Significance.